The following is an entry in ClinVar:

ClinVar aggregate classification (germline): Uncertain significance (1 of 4 stars; one submission).

Conditions:
Ataxia-telangiectasia syndrome (AT). Also called: Cerebello-oculocutaneous telangiectasia; Immunodeficiency with ataxia telangiectasia; ATAXIA-TELANGIECTASIA, COMPLEMENTATION GROUP A; ATAXIA-TELANGIECTASIA, FRESNO VARIANT; Ataxia-telangiectasia, complementation group E; LOUIS-BAR SYNDROME. Identifiers: Orphanet 100, MedGen C0004135, MONDO:0008840, OMIM 208900.

gnomAD v4.1: 1 of 1,598,374 alleles (0.000063%); highest among the groups gnomAD compares: South Asian, 0.0011%; no homozygotes.

Submission:

Labcorp Genetics (formerly Invitae), Labcorp
Classification: Uncertain significance for Ataxia-telangiectasia syndrome. Last evaluated: 2021-09-04. Review status: criteria provided, single submitter. Criteria: Invitae Variant Classification Sherloc (09022015). Collection method: clinical testing. Allele origin: germline.
Comment: Algorithms developed to predict the effect of sequence changes on RNA splicing suggest that this variant may disrupt the consensus splice site. This variant has not been reported in the literature in individuals affected with ATM-related conditions. This variant is not present in population databases (ExAC no frequency). This sequence change falls in intron 28 of the ATM gene. It does not directly change the encoded amino acid sequence of the ATM protein. In summary, the available evidence is currently insufficient to determine the role of this variant in disease. Therefore, it has been classified as a Variant of Uncertain Significance.

NM_000051.4(ATM):c.4237-8T>G

Gene: ATM (ATM serine/threonine kinase; plus strand). Cytogenetic location: 11q22.3.
Variant type: single nucleotide variant.
Coding change: c.4237-8T>G on transcript NM_000051.4 (MANE Select); 8 bases into the intron before coding-DNA position 4237, T replaced by G.
Molecular consequence: intron variant.
Genome position (GRCh38, 1-based): chr11:108,289,594, T>G. VCF-style: chr11-108289594-T-G. GRCh37 (hg19) VCF-style: chr11-108160321-T-G.
Other names: c.4237-8T>G (NM_001351834.2).
Identifiers: ClinVar variation 1517357 (VCV001517357.6), dbSNP rs750427647, ClinGen allele CA2573146567.